The following is an entry in ClinVar:

NM_006302.3(MOGS):c.2505A>C (p.Glu835Asp)

Gene: MOGS (mannosyl-oligosaccharide glucosidase; minus strand). Cytogenetic location: 2p13.1.
Variant type: single nucleotide variant.
Coding change: c.2505A>C on transcript NM_006302.3 (MANE Select); coding-DNA position 2505, A replaced by C.
Protein change: p.Glu835Asp; replaces glutamic acid 835 with aspartic acid.
Molecular consequence: missense variant.
Genome position (GRCh38, 1-based): chr2:74,461,284, T>G on the plus strand (A>C on the coding strand, the complement: MOGS is on the minus strand). VCF-style: chr2-74461284-T-G. GRCh37 (hg19) VCF-style: chr2-74688411-T-G.
Other names: c.2187A>C, p.Glu729Asp (NM_001146158.2); short protein forms E729D, E835D.
Identifiers: ClinVar variation 848556 (VCV000848556.10), dbSNP rs760335216, ClinGen allele CA1724567.
Genomic context (GRCh38, chr2:74,461,284, plus strand): 5'-CTTCAGAGCCAGAGTGGCATGAGTGTCTTGGCTCCCCTCCTCTCCCTCCCTTCAGTAGTC[T>G]TCAGCCATGGCCAGTAAGACAAGGCTGGTCCAGCCGTGGAAAGGGCGGCAGCCCATGCCT-3'
Protein context (NP_006293.2, residues 825-837): WTSLVLLAMA[Glu835Asp]DY

ClinVar aggregate classification (germline): Uncertain significance (1 of 4 stars; one submission).

Conditions:
MOGS-congenital disorder of glycosylation. Also called: CDG IIb; MOGS-CDG; CDG 2B; GLUCOSIDASE I DEFICIENCY. Identifiers: Orphanet 79330, MedGen C1853736, MONDO:0011629, OMIM 606056.

Allele frequency attached by ClinVar (database versions not stated): gnomAD exomes below 0.00001 and 0.00001; ExAC 0.00001.

Submission:

Labcorp Genetics (formerly Invitae), Labcorp
Classification: Uncertain significance for MOGS-congenital disorder of glycosylation. Last evaluated: 2023-07-14. Review status: criteria provided, single submitter. Criteria: Invitae Variant Classification Sherloc (09022015). Collection method: clinical testing. Allele origin: germline.
Comment: In summary, the available evidence is currently insufficient to determine the role of this variant in disease. Therefore, it has been classified as a Variant of Uncertain Significance. Algorithms developed to predict the effect of missense changes on protein structure and function output the following: SIFT: "Not Available"; PolyPhen-2: "Benign"; Align-GVGD: "Not Available". The aspartic acid amino acid residue is found in multiple mammalian species, which suggests that this missense change does not adversely affect protein function. ClinVar contains an entry for this variant (Variation ID: 848556). This variant has not been reported in the literature in individuals affected with MOGS-related conditions. This variant is present in population databases (rs760335216, gnomAD 0.006%). This sequence change replaces glutamic acid, which is acidic and polar, with aspartic acid, which is acidic and polar, at codon 835 of the MOGS protein (p.Glu835Asp).